The following is an entry in ClinVar:

NM_001351132.2(PEX5):c.1768C>T (p.Arg590Trp)

Gene: PEX5 (peroxisomal biogenesis factor 5; plus strand). Cytogenetic location: 12p13.31.
Variant type: single nucleotide variant.
Coding change: c.1768C>T on transcript NM_001351132.2 (MANE Select); coding-DNA position 1768, C replaced by T.
Protein change: p.Arg590Trp; replaces arginine 590 with tryptophan.
Molecular consequence: missense variant.
Genome position (GRCh38, 1-based): chr12:7,210,071, C>T. VCF-style: chr12-7210071-C-T. GRCh37 (hg19) VCF-style: chr12-7362667-C-T.
Other names: c.1744C>T, p.Arg582Trp (NM_000319.5); c.1813C>T, p.Arg605Trp (NM_001131023.2); c.1657C>T, p.Arg553Trp (NM_001131024.2, NM_001351124.3, NM_001351126.2 and 7 more transcripts); c.1768C>T, p.Arg590Trp (NM_001131025.2, NM_001131026.2, NM_001300789.3 and 4 more transcripts); c.1702C>T, p.Arg568Trp (NM_001351135.3, NM_001351138.2); c.1759C>T, p.Arg587Trp (NM_001351136.2); c.1633C>T, p.Arg545Trp (NM_001351139.2, NM_001351140.2, NM_001374649.2); short protein forms R545W, R605W, R553W, R568W, R590W, R582W, R587W.
Identifiers: ClinVar variation 964842 (VCV000964842.6), dbSNP rs139347001, ClinGen allele CA6426582.
Genomic context (GRCh38, chr12:7,210,071, plus strand): 5'-CTTCCTTACAGGGAGGCTGTGGAGCACTTTCTGGAGGCCCTGAACATGCAGAGGAAAAGC[C>T]GGGGCCCCCGGGGTGAAGGAGGTGCCATGTCGGAGAACATCTGGAGCACCCTGCGTTTGG-3'
Protein context (NP_001338061.1, residues 580-600): LEALNMQRKS[Arg590Trp]GPRGEGGAMS

ClinVar aggregate classification (germline): Uncertain significance. Review status: criteria provided, multiple submitters, no conflicts (2 of 4 stars). 3 submissions from 3 submitters: Uncertain significance (3). Last evaluated 2024-02-19.

Conditions:
Peroxisome biogenesis disorder 2B (PBD2B). Identifiers: Orphanet 44, MedGen C3550234, MONDO:0008736, OMIM 202370.

Allele frequency attached by ClinVar (database versions not stated): gnomAD 0.00004; ExAC 0.00005; TOPMed 0.00005; ESP Exome Variant Server 0.00008.
gnomAD v4.1: 75 of 1,614,096 alleles (0.0046%); highest among the groups gnomAD compares: Middle Eastern, 0.016%; no homozygotes.

Submissions (3):

Blueprint Genetics
Classification: Uncertain significance. Last evaluated: 2024-02-19. Review status: criteria provided, single submitter. Criteria: ACMG Guidelines, 2015. Collection method: clinical testing. Allele origin: germline.

Labcorp Genetics (formerly Invitae), Labcorp
Classification: Uncertain significance for Peroxisome biogenesis disorder 2B. Last evaluated: 2022-05-06. Review status: criteria provided, single submitter. Criteria: Invitae Variant Classification Sherloc (09022015). Collection method: clinical testing. Allele origin: germline.
Comment: This sequence change replaces arginine, which is basic and polar, with tryptophan, which is neutral and slightly polar, at codon 590 of the PEX5 protein (p.Arg590Trp). This variant is present in population databases (rs139347001, gnomAD 0.006%). This variant has not been reported in the literature in individuals affected with PEX5-related conditions. ClinVar contains an entry for this variant (Variation ID: 964842). Algorithms developed to predict the effect of missense changes on protein structure and function are either unavailable or do not agree on the potential impact of this missense change (SIFT: "Deleterious"; PolyPhen-2: "Benign"; Align-GVGD: "Class C0"). In summary, the available evidence is currently insufficient to determine the role of this variant in disease. Therefore, it has been classified as a Variant of Uncertain Significance.

Breakthrough Genomics
Classification: Uncertain significance. Review status: criteria provided, single submitter. Criteria: ACMG Guidelines, 2015. Collection method: not provided. Allele origin: germline. Inheritance: Autosomal recessive inheritance. Affected: yes.